The following is an entry in ClinVar:

ClinVar aggregate classification (germline): Uncertain significance (1 of 4 stars; one submission).

Submission:

CeGaT Center for Human Genetics Tuebingen
Classification: Uncertain significance. Last evaluated: 2023-11-01. Review status: criteria provided, single submitter. Criteria: CeGaT Center For Human Genetics Tuebingen Variant Classification Criteria Version 2. Collection method: clinical testing. Allele origin: germline. Affected: yes. Observed: 1 variant allele.
Comment: SETBP1: PM2

NM_015559.3(SETBP1):c.3274C>T (p.Pro1092Ser)

Gene: SETBP1 (SET binding protein 1; plus strand). Cytogenetic location: 18q12.3.
Variant type: single nucleotide variant.
Coding change: c.3274C>T on transcript NM_015559.3 (MANE Select); coding-DNA position 3274, C replaced by T.
Protein change: p.Pro1092Ser; replaces proline 1092 with serine.
Molecular consequence: missense variant.
Genome position (GRCh38, 1-based): chr18:44,952,614, C>T. VCF-style: chr18-44952614-C-T. GRCh37 (hg19) VCF-style: chr18-42532579-C-T.
Other names: c.3274C>T, p.Pro1092Ser (NM_001379141.1, NM_001379142.1, NM_001410862.1); short protein forms P1092S.
Identifiers: ClinVar variation 2672726 (VCV002672726.23), dbSNP rs2511475319, ClinGen allele CA402324072.